The following is an entry in ClinVar:

ClinVar aggregate classification (germline): Uncertain significance (1 of 4 stars; one submission).

Conditions:
Aortic aneurysm, familial thoracic 8 (AAT8). Identifiers: MedGen C3809513, MONDO:0014187, OMIM 615436.

Allele frequency attached by ClinVar (database versions not stated): TOPMed below 0.00001.

Submission:

Labcorp Genetics (formerly Invitae), Labcorp
Classification: Uncertain significance for Aortic aneurysm, familial thoracic 8. Last evaluated: 2023-09-19. Review status: criteria provided, single submitter. Criteria: Invitae Variant Classification Sherloc (09022015). Collection method: clinical testing. Allele origin: germline.
Comment: This sequence change falls in intron 5 of the PRKG1 gene. It does not directly change the encoded amino acid sequence of the PRKG1 protein. It affects a nucleotide within the consensus splice site. This variant is not present in population databases (gnomAD no frequency). This variant has been observed in individual(s) with clinical features of thoracic aortic aneurysm and dissection (Invitae). Variants that disrupt the consensus splice site are a relatively common cause of aberrant splicing (PMID: 17576681, 9536098). Algorithms developed to predict the effect of sequence changes on RNA splicing suggest that this variant may disrupt the consensus splice site. In summary, the available evidence is currently insufficient to determine the role of this variant in disease. Therefore, it has been classified as a Variant of Uncertain Significance.

Literature cited by the submitters: PubMed 17576681; PubMed 9536098.

NM_006258.4(PRKG1):c.762+3A>C

Gene: PRKG1 (protein kinase cGMP-dependent 1; plus strand). Cytogenetic location: 10q21.1.
Variant type: single nucleotide variant.
Coding change: c.762+3A>C on transcript NM_006258.4 (MANE Select); 3 bases into the intron after coding-DNA position 762, A replaced by C.
Molecular consequence: intron variant.
Genome position (GRCh38, 1-based): chr10:51,907,573, A>C. VCF-style: chr10-51907573-A-C. GRCh37 (hg19) VCF-style: chr10-53667333-A-C.
Other names: c.717+3A>C (NM_001098512.3); c.762+3A>C (NM_001374782.1).
Identifiers: ClinVar variation 2804710 (VCV002804710.3), dbSNP rs1842113423, ClinGen allele CA1909854134.